The following is an entry in ClinVar:

ClinVar aggregate classification (germline): Benign. Review status: criteria provided, multiple submitters, no conflicts (2 of 4 stars). 4 submissions from 3 submitters: Benign (3). 1 of the submissions does not count toward it. Last evaluated 2025-12-20.

Conditions:
3-methylglutaconic aciduria with deafness, encephalopathy, and Leigh-like syndrome (MEGDEL). Also called: MEGDEL syndrome; 3-METHYLGLUTACONIC ACIDURIA, TYPE VI; SERAC1 Deficiency. Identifiers: Orphanet 352328, MedGen C4040739, MONDO:0013875, OMIM 614739.

Submissions (4):

Labcorp Genetics (formerly Invitae), Labcorp
Classification: Benign for 3-methylglutaconic aciduria with deafness, encephalopathy, and Leigh-like syndrome. Last evaluated: 2025-12-20. Review status: criteria provided, single submitter. Criteria: Invitae Variant Classification Sherloc (09022015). Collection method: clinical testing. Allele origin: germline.

Genome-Nilou Lab
Classification: Benign for 3-methylglutaconic aciduria with deafness, encephalopathy, and Leigh-like syndrome. Last evaluated: 2022-03-15. Review status: criteria provided, single submitter. Criteria: ACMG Guidelines, 2015. Collection method: clinical testing. Allele origin: germline. Affected: no.

GeneDx
Classification: Benign. Last evaluated: 2015-06-09. Review status: criteria provided, single submitter. Criteria: GeneDx Variant Classification Process June 2021. Collection method: clinical testing. Allele origin: germline. Affected: yes.

GeneDx
Classification: Benign. Last evaluated: 2015-10-21. Review status: flagged submission. Criteria: GeneDx Variant Classification (06012015). Collection method: clinical testing. Allele origin: germline. Affected: yes. Not counted in ClinVar's aggregate classification.
Comment: This variant is considered likely benign or benign based on one or more of the following criteria: it is a conservative change, it occurs at a poorly conserved position in the protein, it is predicted to be benign by multiple in silico algorithms, and/or has population frequency not consistent with disease.
ClinVar note: Reason: This record appears to be redundant with a more recent record from the same submitter.
ClinVar note: Notes: SCV000567487 appears to be redundant with SCV001753868.

NM_032861.4(SERAC1):c.1016-31_1016-17del

Gene: SERAC1 (serine active site containing 1; minus strand). Cytogenetic location: 6q25.3.
Variant type: Deletion.
Coding change: c.1016-31_1016-17del on transcript NM_032861.4 (MANE Select); 31 bases into the intron before coding-DNA position 1016 through 17 bases into the intron before coding-DNA position 1016, 15 bases deleted (CAGTATTTAGGATAT).
Molecular consequence: intron variant.
Genome position (GRCh38, 1-based): chr6:158,120,592-158,120,606, ATATCCTAAATACTG deleted on the plus strand (CAGTATTTAGGATAT on the coding strand, the reverse complement: SERAC1 is on the minus strand); deleting any 15 consecutive bases within chr6:158,120,592-158,120,608 gives the same sequence; the c. name uses the placement nearest the transcript's 3' end. VCF-style (leftmost placement, unchanged base first): chr6-158120591-CATATCCTAAATACTG-C. GRCh37 (hg19) VCF-style: chr6-158541623-CATATCCTAAATACTG-C.
Identifiers: ClinVar variation 419584 (VCV000419584.12), dbSNP rs374730949, ClinGen allele CA4071206.